The following is an entry in ClinVar:

NM_007194.4(CHEK2):c.1569T>A (p.Arg523=)

Gene: CHEK2 (checkpoint kinase 2; minus strand). Cytogenetic location: 22q12.1.
Variant type: single nucleotide variant.
Coding change: c.1569T>A on transcript NM_007194.4 (MANE Select); coding-DNA position 1569, T replaced by A.
Protein change: p.Arg523=; no amino-acid change (arginine 523 retained).
Molecular consequence: synonymous variant.
Genome position (GRCh38, 1-based): chr22:28,687,960, A>T on the plus strand (T>A on the coding strand, the complement: CHEK2 is on the minus strand). VCF-style: chr22-28687960-A-T. GRCh37 (hg19) VCF-style: chr22-29083948-A-T.
Other names: c.1698T>A, p.Arg566= (NM_001005735.3); c.906T>A, p.Arg302= (NM_001257387.3); c.1368T>A, p.Arg456= (NM_001349956.3); c.1482T>A, p.Arg494= (NM_145862.3).
Identifiers: ClinVar variation 926894 (VCV000926894.14), dbSNP rs748954413, ClinGen allele CA513944668.

ClinVar aggregate classification (germline): Benign/Likely benign. Review status: criteria provided, multiple submitters, no conflicts (2 of 4 stars). 4 submissions from 4 submitters: Benign (1); Likely benign (3). Last evaluated 2025-07-07.

Conditions:
Familial cancer of breast. Also called: BREAST CANCER, FAMILIAL; Hereditary breast cancer; hereditary breast carcinoma. Identifiers: Orphanet 227535, MedGen C0346153, MONDO:0016419, OMIM 114480. Disease mechanism: loss of function.
Hereditary cancer-predisposing syndrome. Also called: Neoplastic Syndromes, Hereditary; Tumor predisposition; Hereditary Cancer Syndrome; Hereditary neoplastic syndrome. Identifiers: Orphanet 140162, MedGen C0027672, MeSH D009386, MONDO:0015356.

gnomAD v4.1: 1 of 1,596,362 alleles (0.000063%); highest among the groups gnomAD compares: Non-Finnish European, 0.000085%; no homozygotes.

Submissions (4):

Ambry Genetics
Classification: Likely benign for Hereditary cancer-predisposing syndrome. Last evaluated: 2025-07-07. Review status: criteria provided, single submitter. Criteria: Ambry Variant Classification Scheme 2023. Collection method: clinical testing. Allele origin: germline.

Myriad Genetics, Inc.
Classification: Benign for Familial cancer of breast. Last evaluated: 2024-10-08. Review status: criteria provided, single submitter. Criteria: Myriad Autosomal Dominant, Autosomal Recessive and X-Linked Classification Criteria (2023). Collection method: clinical testing. Allele origin: unknown.
Comment: This variant is considered benign. This variant is a silent/synonymous amino acid change and it is not expected to impact splicing.

Labcorp Genetics (formerly Invitae), Labcorp
Classification: Likely benign for Familial cancer of breast. Last evaluated: 2023-03-30. Review status: criteria provided, single submitter. Criteria: Invitae Variant Classification Sherloc (09022015). Collection method: clinical testing. Allele origin: germline.

Color Diagnostics, LLC DBA Color Health
Classification: Likely benign for Hereditary cancer-predisposing syndrome. Last evaluated: 2019-04-30. Review status: criteria provided, single submitter. Criteria: ACMG Guidelines, 2015. Collection method: clinical testing. Allele origin: germline.